The following is an entry in ClinVar:

NM_002204.4(ITGA3):c.1470-14C>T

Gene: ITGA3 (integrin subunit alpha 3; plus strand). Cytogenetic location: 17q21.33.
Variant type: single nucleotide variant.
Coding change: c.1470-14C>T on transcript NM_002204.4 (MANE Select); 14 bases into the intron before coding-DNA position 1470, C replaced by T.
Molecular consequence: intron variant.
Genome position (GRCh38, 1-based): chr17:50,075,445, C>T. VCF-style: chr17-50075445-C-T. GRCh37 (hg19) VCF-style: chr17-48152809-C-T.
Identifiers: ClinVar variation 2991829 (VCV002991829.3), dbSNP rs1173338129, ClinGen allele CA772777649.

ClinVar aggregate classification (germline): Uncertain significance (1 of 4 stars; one submission).

Allele frequency attached by ClinVar (database versions not stated): gnomAD exomes below 0.00001; TOPMed 0.00001.
gnomAD v4.1: 4 of 1,613,990 alleles (0.00025%); highest among the groups gnomAD compares: East Asian, 0.0022%; no homozygotes.

Submission:

Labcorp Genetics (formerly Invitae), Labcorp
Classification: Uncertain significance. Last evaluated: 2023-06-14. Review status: criteria provided, single submitter. Criteria: Invitae Variant Classification Sherloc (09022015). Collection method: clinical testing. Allele origin: germline.
Comment: This sequence change falls in intron 10 of the ITGA3 gene. It does not directly change the encoded amino acid sequence of the ITGA3 protein. This variant is not present in population databases (gnomAD no frequency). This variant has not been reported in the literature in individuals affected with ITGA3-related conditions. Algorithms developed to predict the effect of sequence changes on RNA splicing suggest that this variant may disrupt the consensus splice site. In summary, the available evidence is currently insufficient to determine the role of this variant in disease. Therefore, it has been classified as a Variant of Uncertain Significance.